The following is an entry in ClinVar:

ClinVar aggregate classification (germline): Uncertain significance (1 of 4 stars; one submission).

Submission:

CeGaT Center for Human Genetics Tuebingen
Classification: Uncertain significance. Last evaluated: 2022-10-01. Review status: criteria provided, single submitter. Criteria: CeGaT Center For Human Genetics Tuebingen Variant Classification Criteria Version 2. Collection method: clinical testing. Allele origin: germline. Affected: yes. Observed: 1 variant allele.
Comment: GATM: PM2

NM_001482.3(GATM):c.937C>G (p.Pro313Ala)

Gene: GATM (glycine amidinotransferase; minus strand). Cytogenetic location: 15q21.1.
Variant type: single nucleotide variant.
Coding change: c.937C>G on transcript NM_001482.3 (MANE Select); coding-DNA position 937, C replaced by G.
Protein change: p.Pro313Ala; replaces proline 313 with alanine.
Molecular consequence: missense variant.
Genome position (GRCh38, 1-based): chr15:45,366,087, G>C on the plus strand (C>G on the coding strand, the complement: GATM is on the minus strand). VCF-style: chr15-45366087-G-C. GRCh37 (hg19) VCF-style: chr15-45658285-G-C.
Other names: c.550C>G, p.Pro184Ala (NM_001321015.2); short protein forms P184A, P313A.
Identifiers: ClinVar variation 2645305 (VCV002645305.24), dbSNP rs2541988196, ClinGen allele CA392257585.